The following is an entry in ClinVar:

NM_001127671.2(LIFR):c.1714A>G (p.Asn572Asp)

Gene: LIFR (LIF receptor subunit alpha; minus strand). Cytogenetic location: 5p13.1.
Variant type: single nucleotide variant.
Coding change: c.1714A>G on transcript NM_001127671.2 (MANE Select); coding-DNA position 1714, A replaced by G.
Protein change: p.Asn572Asp; replaces asparagine 572 with aspartic acid.
Molecular consequence: missense variant.
Genome position (GRCh38, 1-based): chr5:38,496,553, T>C on the plus strand (A>G on the coding strand, the complement: LIFR is on the minus strand). VCF-style: chr5-38496553-T-C. GRCh37 (hg19) VCF-style: chr5-38496655-T-C.
Other names: c.1714A>G, p.Asn572Asp (NM_001364297.2, NM_001364298.2, NM_002310.6); c.1714A>G (NM_002310.5); short protein forms N572D.
Identifiers: ClinVar variation 2415464 (VCV002415464.5), dbSNP rs774759940, ClinGen allele CA3242856.
Genomic context (GRCh38, chr5:38,496,553, plus strand): 5'-GCTGAGGATCAGGGATTTCAGAAAGGGACTGTGTTTCCTCATCTGATGAACACGATACAT[T>C]GTAGGAAAGTATTTTTCCATTAGCTTCATTAATGGGTAAAGGCTATGAAAAACAGACAAA-3'
Protein context (NP_001121143.1, residues 562-582): NEANGKILSY[Asn572Asp]VSCSSDEETQ

ClinVar aggregate classification (germline): Uncertain significance. Review status: criteria provided, multiple submitters, no conflicts (2 of 4 stars). 3 submissions from 3 submitters: Uncertain significance (3). Last evaluated 2025-03-28.

Conditions:
Inborn genetic diseases. Identifiers: MedGen C0950123, MeSH D030342.
Stüve-Wiedemann syndrome 1. Also called: STUVE-WIEDEMANN/SCHWARTZ-JAMPEL TYPE 2 SYNDROME. Identifiers: Orphanet 3206, MedGen C5676888, MONDO:0800043, OMIM 601559.

Allele frequency attached by ClinVar (database versions not stated): gnomAD 0.00001; ExAC 0.00002; TOPMed 0.00002; gnomAD exomes 0.00004.
gnomAD v4.1: 52 of 1,613,756 alleles (0.0032%); highest among the groups gnomAD compares: Non-Finnish European, 0.0042%; no homozygotes.

Submissions (3):

Ambry Genetics
Classification: Uncertain significance for Inborn genetic diseases. Last evaluated: 2025-03-28. Review status: criteria provided, single submitter. Criteria: Ambry Variant Classification Scheme 2023. Collection method: clinical testing. Allele origin: germline.

Fulgent Genetics
Classification: Uncertain significance for Stüve-Wiedemann syndrome 1. Last evaluated: 2024-06-19. Review status: criteria provided, single submitter. Criteria: ACMG Guidelines, 2015. Collection method: clinical testing. Allele origin: germline.

Labcorp Genetics (formerly Invitae), Labcorp
Classification: Uncertain significance. Last evaluated: 2022-04-11. Review status: criteria provided, single submitter. Criteria: Invitae Variant Classification Sherloc (09022015). Collection method: clinical testing. Allele origin: germline.
Comment: This sequence change replaces asparagine, which is neutral and polar, with aspartic acid, which is acidic and polar, at codon 572 of the LIFR protein (p.Asn572Asp). This variant is present in population databases (rs774759940, gnomAD 0.008%). This variant has not been reported in the literature in individuals affected with LIFR-related conditions. Algorithms developed to predict the effect of missense changes on protein structure and function output the following: SIFT: "Tolerated"; PolyPhen-2: "Benign"; Align-GVGD: "Class C0". The aspartic acid amino acid residue is found in multiple mammalian species, which suggests that this missense change does not adversely affect protein function. Algorithms developed to predict the effect of sequence changes on RNA splicing suggest that this variant may disrupt the consensus splice site. In summary, the available evidence is currently insufficient to determine the role of this variant in disease. Therefore, it has been classified as a Variant of Uncertain Significance.